The following is an entry in ClinVar:

ClinVar aggregate classification (germline): Likely pathogenic (1 of 4 stars; one submission).

Conditions:
Mitochondrial complex I deficiency, nuclear type 8. Also called: Mitochondrial complex 1 deficiency, nuclear type 8. Identifiers: MedGen C4748766, MONDO:0032613, OMIM 618230.

Submission:

Laboratorio de Genetica e Diagnostico Molecular, Hospital Israelita Albert Einstein
Classification: Likely pathogenic for Mitochondrial complex I deficiency, nuclear type 8. Last evaluated: 2022-09-16. Review status: criteria provided, single submitter. Criteria: ACMG Guidelines, 2015. Collection method: clinical testing. Allele origin: germline. Affected: yes. Observed: 1 variant allele.
Comment: ACMG classification criteria: PVS1 very strong, PM2 moderated

NM_004551.3(NDUFS3):c.382-1del

Gene: NDUFS3 (NADH:ubiquinone oxidoreductase core subunit S3; plus strand). Cytogenetic location: 11p11.2.
Variant type: Deletion.
Coding change: c.382-1del on transcript NM_004551.3 (MANE Select); the canonical splice acceptor site of the intron before coding-DNA position 382, one base deleted (G; older notation c.382-1delG).
Molecular consequence: splice acceptor variant.
Genome position (GRCh38, 1-based): chr11:47,582,087, G deleted. VCF-style (leftmost placement, unchanged base first): chr11-47582086-AG-A. GRCh37 (hg19) VCF-style: chr11-47603638-AG-A.
Identifiers: ClinVar variation 2431418 (VCV002431418.1), dbSNP rs2509732182, ClinGen allele CA2580084195.
Genomic context (GRCh38, chr11:47,582,086, plus strand): 5'-GGCAGAACTCTCCCAATCAGGGACTCCCATCTCAGCCCTCCAGATCCTTCTGTTCTCCCT[AG>A]ATTGTCTACAACCTGTTGTCTCTGCGCTTCAACTCACGGATCCGTGTGAAGACCTACACA-3'